The following is an entry in ClinVar:

NM_207361.6(FREM2):c.*2375C>G

Gene: FREM2 (FRAS1 related extracellular matrix 2; plus strand). Cytogenetic location: 13q13.3.
Variant type: single nucleotide variant.
Coding change: c.*2375C>G on transcript NM_207361.6 (MANE Select); 2375 bases downstream of the stop codon, C replaced by G.
Molecular consequence: 3 prime UTR variant.
Genome position (GRCh38, 1-based): chr13:38,883,162, C>G. VCF-style: chr13-38883162-C-G. GRCh37 (hg19) VCF-style: chr13-39457299-C-G.
Identifiers: ClinVar variation 312069 (VCV000312069.5), dbSNP rs114706463, ClinGen allele CA10634318.

ClinVar aggregate classification (germline): Benign (1 of 4 stars; one submission).

Conditions:
Fraser syndrome 2 (FRASRS2). Identifiers: MedGen C4540036, MONDO:0054738, OMIM 617666.

Allele frequency attached by ClinVar (database versions not stated): gnomAD 0.00755 and 0.00802; TOPMed 0.00805; 1000 Genomes Project 0.00938; 1000 Genomes Project 30x 0.01062.

Submission:

Illumina Laboratory Services, Illumina
Classification: Benign for Fraser syndrome 2. Last evaluated: 2018-01-12. Review status: criteria provided, single submitter. Criteria: ICSL Variant Classification Criteria 13 December 2019. Collection method: clinical testing. Allele origin: germline.
Comment: This variant was observed in the ICSL laboratory as part of a predisposition screen in an ostensibly healthy population. It had not been previously curated by ICSL or reported in the Human Gene Mutation Database (HGMD: prior to June 1st, 2018), and was therefore a candidate for classification through an automated scoring system. Utilizing variant allele frequency, disease prevalence and penetrance estimates, and inheritance mode, an automated score was calculated to assess if this variant is too frequent to cause the disease. Based on the score and internal cut-off values, a variant classified as benign is not then subjected to further curation. The score for this variant resulted in a classification of benign for this disease.